The following is an entry in ClinVar:

NM_007294.4(BRCA1):c.5208C>A (p.Val1736=)

Gene: BRCA1 (BRCA1 DNA repair associated; minus strand). Cytogenetic location: 17q21.31.
Variant type: single nucleotide variant.
Coding change: c.5208C>A on transcript NM_007294.4 (MANE Select); coding-DNA position 5208, C replaced by A.
Protein change: p.Val1736=; no amino-acid change (valine 1736 retained).
Molecular consequence: synonymous variant.
Genome position (GRCh38, 1-based): chr17:43,057,121, G>T on the plus strand (C>A on the coding strand, the complement: BRCA1 is on the minus strand). VCF-style: chr17-43057121-G-T. GRCh37 (hg19) VCF-style: chr17-41209138-G-T.
Other names: NC_000017.10:g.41209138G>T; c.4995C>A, p.Val1665= (NM_001407571.1, NM_001407894.1, NM_001407895.1 and 12 more transcripts); c.5274C>A, p.Val1758= (NM_001407581.1, NM_001407582.1); c.5271C>A, p.Val1757= (NM_001407583.1, NM_001407585.1, NM_001407587.1 and 1 more transcripts); c.5268C>A, p.Val1756= (NM_001407590.1, NM_001407591.1); c.5208C>A, p.Val1736= (NM_001407593.1, NM_001407594.1, NM_001407596.1 and 7 more transcripts); c.5205C>A, p.Val1735= (NM_001407610.1, NM_001407611.1, NM_001407612.1 and 17 more transcripts); c.5202C>A, p.Val1734= (NM_001407627.1, NM_001407628.1, NM_001407629.1 and 14 more transcripts); and 73 more.
Identifiers: ClinVar variation 867845 (VCV000867845.4), dbSNP rs2051525820, ClinGen allele CA500144843.

Conditions:
Malignant tumor of urinary bladder. Also called: Bladder cancer; Urinary bladder cancer; Urinary Bladder Neoplasms. Identifiers: MedGen C0005684, MONDO:0001187, OMIM 109800.
Breast-ovarian cancer, familial, susceptibility to, 1 (BROVCA1). Also called: BRCA1 Hereditary Breast and Ovarian Cancer; OVARIAN CANCER, SUSCEPTIBILITY TO. Identifiers: Orphanet 145, MedGen C2676676, MONDO:0011450, OMIM 604370. Disease mechanism: loss of function.

Submissions (2):

Brotman Baty Institute, University of Washington
No classification provided (evidence only). Condition: Breast-ovarian cancer, familial 1. Review status: no classification provided. Collection method: in vitro. Allele origin: not applicable. Functional consequence: functionally_normal.
ClinVar note: "not provided" was previously submitted as the classification for the variant. However, the classification appeared to be based only on an observation of functional data so it was converted to no classification on 2025-07-30.

Dr. Peter K. Rogan Lab, Western University
No classification provided (evidence only). Condition: Malignant tumor of urinary bladder. Review status: no classification provided. Collection method: in vitro. Allele origin: not applicable. Functional consequence: retained intron. Not counted in ClinVar's aggregate classification.